The following is an entry in ClinVar:

ClinVar aggregate classification (germline): Uncertain significance (1 of 4 stars; one submission).

Conditions:
Inborn genetic diseases. Identifiers: MedGen C0950123, MeSH D030342.

Submission:

Ambry Genetics
Classification: Uncertain significance for Inborn genetic diseases. Last evaluated: 2026-01-25. Review status: criteria provided, single submitter. Criteria: Ambry Variant Classification Scheme 2023. Collection method: clinical testing. Allele origin: germline.
Comment: The p.L1198W variant (also known as c.3593T>G), located in coding exon 1 of the SAMD9L gene, results from a T to G substitution at nucleotide position 3593. The leucine at codon 1198 is replaced by tryptophan, an amino acid with similar properties. This amino acid position is conserved. In addition, this alteration is predicted to be tolerated by in silico analysis. Based on the available evidence, the clinical significance of this variant remains unclear.

NM_152703.5(SAMD9L):c.3593T>G (p.Leu1198Trp)

Gene: SAMD9L (sterile alpha motif domain containing 9 like; minus strand). Cytogenetic location: 7q21.2.
Variant type: single nucleotide variant.
Coding change: c.3593T>G on transcript NM_152703.5 (MANE Select); coding-DNA position 3593, T replaced by G.
Protein change: p.Leu1198Trp; replaces leucine 1198 with tryptophan.
Molecular consequence: missense variant.
Genome position (GRCh38, 1-based): chr7:93,132,379, A>C on the plus strand (T>G on the coding strand, the complement: SAMD9L is on the minus strand). VCF-style: chr7-93132379-A-C. GRCh37 (hg19) VCF-style: chr7-92761692-A-C.
Other names: c.3593T>G, p.Leu1198Trp (NM_001303496.3, NM_001303497.3, NM_001303498.3 and 5 more transcripts); short protein forms L1198W.
Identifiers: ClinVar variation 4844811 (VCV004844811.1).